The following is an entry in ClinVar:

ClinVar aggregate classification (germline): Uncertain significance (1 of 4 stars; one submission).

Submission:

Labcorp Genetics (formerly Invitae), Labcorp
Classification: Uncertain significance. Last evaluated: 2025-11-01. Review status: criteria provided, single submitter. Criteria: Invitae Variant Classification Sherloc (09022015). Collection method: clinical testing. Allele origin: germline.
Comment: This variant, c.193_231del, results in the deletion of 13 amino acid(s) of the RUNX2 protein (p.Gln65_Ala77del), but otherwise preserves the integrity of the reading frame. This variant is not present in population databases (gnomAD no frequency). This variant has not been reported in the literature in individuals affected with RUNX2-related conditions. ClinVar contains an entry for this variant (Variation ID: 2189575). Experimental studies and prediction algorithms are not available or were not evaluated, and the functional significance of this variant is currently unknown. In summary, the available evidence is currently insufficient to determine the role of this variant in disease. Therefore, it has been classified as a Variant of Uncertain Significance.

NM_001024630.4(RUNX2):c.193_231del (p.Gln65_Ala77del)

Genes: RUNX2 (RUNX family transcription factor 2; plus strand), LOC109611589 (runt related transcription factor 2 polyalanine expansion region; plus strand). Cytogenetic location: 6p21.1.
Variant type: Deletion.
Coding change: c.193_231del on transcript NM_001024630.4 (MANE Select); coding-DNA positions 193 to 231, 39 bases deleted.
Protein change: p.Gln65_Ala77del.
Molecular consequence: inframe deletion. On other transcripts: inframe indel (1).
Genome position (GRCh38, 1-based): chr6:45,422,727-45,422,765, 39 bases deleted. GRCh37 (hg19): chr6:45,390,464-45,390,502.
Other names: c.193_231del, p.Gln65_Ala77del (NM_001015051.4); c.151_189del, p.Gln51_Ala63del (NM_001278478.2, NM_001369405.1); c.151_189del39, p.Gln51_Ala63del (NM_004348.3).
Identifiers: ClinVar variation 2189575 (VCV002189575.4), dbSNP rs1798242307, ClinGen allele CA1625431286.